The following is an entry in ClinVar:

ClinVar aggregate classification (germline): Benign/Likely benign. Review status: criteria provided, multiple submitters, no conflicts (2 of 4 stars). 3 submissions from 3 submitters: Benign (1); Likely benign (2). Last evaluated 2026-01-22.

Conditions:
RIDDLE syndrome. Identifiers: Orphanet 420741, MedGen C2677792, MONDO:0012764, OMIM 611943.

Allele frequency attached by ClinVar (database versions not stated): gnomAD exomes 0.00038 and 0.00097; ExAC 0.00115; 1000 Genomes Project 0.00359; gnomAD 0.00371 and 0.00401; 1000 Genomes Project 30x 0.00390; ESP Exome Variant Server 0.00415; TOPMed 0.00428.
gnomAD v4.1: 1,162 of 1,613,636 alleles (0.072%); highest among the groups gnomAD compares: African/African-American, 1.4%; 11 homozygotes.

Submissions (3):

Labcorp Genetics (formerly Invitae), Labcorp
Classification: Benign. Last evaluated: 2026-01-22. Review status: criteria provided, single submitter. Criteria: Invitae Variant Classification Sherloc (09022015). Collection method: clinical testing. Allele origin: germline.

CeGaT Center for Human Genetics Tuebingen
Classification: Likely benign. Last evaluated: 2024-10-01. Review status: criteria provided, single submitter. Criteria: CeGaT Center For Human Genetics Tuebingen Variant Classification Criteria Version 2. Collection method: clinical testing. Allele origin: germline. Affected: yes. Observed: 1 variant allele.
Comment: RNF168: BP4, BS1

Fulgent Genetics
Classification: Likely benign for RIDDLE syndrome. Last evaluated: 2022-01-06. Review status: criteria provided, single submitter. Criteria: ACMG Guidelines, 2015. Collection method: clinical testing. Allele origin: unknown.

NM_152617.4(RNF168):c.1132T>C (p.Cys378Arg)

Gene: RNF168 (ring finger protein 168; minus strand). Cytogenetic location: 3q29.
Variant type: single nucleotide variant.
Coding change: c.1132T>C on transcript NM_152617.4 (MANE Select); coding-DNA position 1132, T replaced by C.
Protein change: p.Cys378Arg; replaces cysteine 378 with arginine.
Molecular consequence: missense variant.
Genome position (GRCh38, 1-based): chr3:196,472,403, A>G on the plus strand (T>C on the coding strand, the complement: RNF168 is on the minus strand). VCF-style: chr3-196472403-A-G. GRCh37 (hg19) VCF-style: chr3-196199274-A-G.
Other names: short protein forms C378R.
Identifiers: ClinVar variation 726053 (VCV000726053.25), dbSNP rs149004801, ClinGen allele CA2780723.